The following is an entry in ClinVar:

NM_000287.4(PEX6):c.671G>A (p.Trp224Ter)

Gene: PEX6 (peroxisomal biogenesis factor 6; minus strand). Cytogenetic location: 6p21.1.
Variant type: single nucleotide variant.
Coding change: c.671G>A on transcript NM_000287.4 (MANE Select); coding-DNA position 671, G replaced by A.
Protein change: p.Trp224Ter; replaces tryptophan 224 with a stop codon.
Molecular consequence: nonsense. On other transcripts: non-coding transcript variant (1), intron variant (1).
Genome position (GRCh38, 1-based): chr6:42,978,480, C>T on the plus strand (G>A on the coding strand, the complement: PEX6 is on the minus strand). VCF-style: chr6-42978480-C-T. GRCh37 (hg19) VCF-style: chr6-42946218-C-T.
Other names: c.618+53G>A (NM_001316313.2); short protein forms W224*.
Identifiers: ClinVar variation 2844229 (VCV002844229.3), dbSNP rs2481277352, ClinGen allele CA364162865.

ClinVar aggregate classification (germline): Pathogenic (1 of 4 stars; one submission).

Conditions:
Peroxisome biogenesis disorder. Identifiers: Orphanet 79189, MedGen C1832200, MONDO:0019234. Disease mechanism: loss of function.

Submission:

Labcorp Genetics (formerly Invitae), Labcorp
Classification: Pathogenic for Peroxisome biogenesis disorder. Last evaluated: 2023-03-08. Review status: criteria provided, single submitter. Criteria: Invitae Variant Classification Sherloc (09022015). Collection method: clinical testing. Allele origin: germline.
Comment: This sequence change creates a premature translational stop signal (p.Trp224*) in the PEX6 gene. It is expected to result in an absent or disrupted protein product. Loss-of-function variants in PEX6 are known to be pathogenic (PMID: 8670792, 19877282, 21031596). This variant is not present in population databases (gnomAD no frequency). This variant has not been reported in the literature in individuals affected with PEX6-related conditions. For these reasons, this variant has been classified as Pathogenic.

Literature cited by the submitters: PubMed 8670792; PubMed 19877282; PubMed 21031596.